The following is an entry in ClinVar:

NC_000011.9:g.(?_94209449)_(94212048_?)dup

Gene: MRE11 (MRE11 homolog, double strand break repair nuclease; minus strand). Cytogenetic location: 11q21.
Variant type: Duplication.
Identifiers: ClinVar variation 466426 (VCV000466426.7).

ClinVar aggregate classification (germline): Likely pathogenic. Review status: criteria provided, single submitter (1 of 4 stars). 2 submissions from 1 submitter: Likely pathogenic (2). Last evaluated 2021-08-12.

Conditions:
Ataxia-telangiectasia-like disorder (ATLD). Identifiers: MedGen C1858391, MONDO:0011457.
Ataxia-telangiectasia-like disorder 1 (ATLD1). Identifiers: Orphanet 251347, MedGen C4012790, MONDO:0024557, OMIM 604391.

Submissions (2):

Labcorp Genetics (formerly Invitae), Labcorp
Classification: Likely pathogenic for Ataxia-telangiectasia-like disorder. Last evaluated: 2021-08-12. Review status: criteria provided, single submitter. Criteria: Invitae Variant Classification Sherloc (09022015). Collection method: clinical testing. Allele origin: germline.
Comment: This variant results in a copy number gain of the genomic region encompassing exon(s) 6-7 of the MRE11 gene. While the exact position of this variant cannot be determined from the data, sub-genic copy number gains are generally in tandem (PMID: 25640679). This variant is predicted to be out-of-frame, and may result in an absent or disrupted protein product. Loss-of-function variants in MRE11 are known to be pathogenic (PMID: 23080121, 23912341). This variant has not been reported in the literature in individuals affected with MRE11-related conditions. In summary, the currently available evidence indicates that the variant is pathogenic, but additional data are needed to prove that conclusively. Therefore, this variant has been classified as Likely Pathogenic.

Labcorp Genetics (formerly Invitae), Labcorp
Classification: Likely pathogenic for Ataxia-telangiectasia-like disorder. Last evaluated: 2017-10-14. Review status: criteria provided, single submitter. Criteria: Invitae Variant Classification Sherloc (09022015). Collection method: clinical testing. Allele origin: germline.
Comment: This variant is a gross duplication of the genomic region encompassing exons 6-7 of the MRE11 gene. While the exact position of the duplicated exons cannot be determined from this data, the duplicated copy of this region is likely in tandem and may result in an absent or disrupted protein product. This variant has not been reported in the literature in individuals with MRE11-related disease. Sub-genic duplications are generally in tandem (PMID: 25640679), and result in an absent or disrupted protein. Loss-of-function variants in MRE11 are known to be pathogenic (PMID: 23080121, 23912341). In summary, the currently available evidence indicates that the variant is pathogenic, but additional data are needed to prove that conclusively. Therefore, this variant has been classified as Likely Pathogenic.

Literature cited by the submitters: PubMed 25640679; PubMed 23080121; PubMed 23912341.